The following is an entry in ClinVar:

ClinVar aggregate classification (germline): Pathogenic (1 of 4 stars; one submission).

Conditions:
Imerslund-Grasbeck syndrome. Also called: ENTEROCYTE COBALAMIN MALABSORPTION; ENTEROCYTE INTRINSIC FACTOR RECEPTOR, DEFECT OF; Imerslund-Gräsbeck syndrome; PERNICIOUS ANEMIA, JUVENILE, DUE TO SELECTIVE INTESTINAL MALABSORPTION OF VITAMIN B12, WITH PROTEINURIA; Megaloblastic anemia due to inborn errors of metabolism. Identifiers: Orphanet 35858, MedGen C4551825, MONDO:0009853.

Submission:

Labcorp Genetics (formerly Invitae), Labcorp
Classification: Pathogenic for Imerslund-Grasbeck syndrome. Last evaluated: 2023-03-17. Review status: criteria provided, single submitter. Criteria: Invitae Variant Classification Sherloc (09022015). Collection method: clinical testing. Allele origin: germline.
Comment: This sequence change results in a frameshift in the AMN gene (p.Ala372Glyfs*?). While this is not anticipated to result in nonsense mediated decay, it is expected to disrupt the last 82 amino acid(s) of the AMN protein and extend the protein by an uncertain number of additional amino acid residues. This variant is not present in population databases (gnomAD no frequency). This variant has not been reported in the literature in individuals affected with AMN-related conditions. This variant results in an extension of the AMN protein. Other variant(s) that result in a similarly extended protein product (p.Pro409Glyfs*?) have been determined to be pathogenic (PMID: 33491342). This suggests that these extensions are likely to be disease-causing. For these reasons, this variant has been classified as Pathogenic.

Literature cited by the submitters: PubMed 33491342.

NM_030943.4(AMN):c.1114dup (p.Ala372fs)

Genes: AMN (amnion associated transmembrane protein; plus strand), LOC130056554 (ATAC-STARR-seq lymphoblastoid silent region 6136; plus strand). Cytogenetic location: 14q32.32.
Variant type: Duplication.
Coding change: c.1114dup on transcript NM_030943.4 (MANE Select); coding-DNA position 1114, one base duplicated (G; older notation c.1114dupG).
Protein change: p.Ala372fs; shifts the reading frame from alanine 372.
Molecular consequence: frameshift variant.
Genome position (GRCh38, 1-based): chr14:102,930,272, G duplicated; the last of 2 consecutive G bases (chr14:102,930,271-102,930,272); duplicating either gives the same sequence. VCF-style (leftmost placement, unchanged base first): chr14-102930270-T-TG. GRCh37 (hg19) VCF-style: chr14-103396607-T-TG.
Other names: c.952dup, p.Ala318Glyfs (NM_001425246.1); short protein forms A372fs.
Identifiers: ClinVar variation 2839426 (VCV002839426.3), dbSNP rs921153411, ClinGen allele CA267175537.